The following is an entry in ClinVar:

NM_007294.4(BRCA1):c.1008del (p.Glu337fs)

Gene: BRCA1 (BRCA1 DNA repair associated; minus strand). Cytogenetic location: 17q21.31.
Variant type: Deletion.
Coding change: c.1008del on transcript NM_007294.4 (MANE Select); coding-DNA position 1008, one base deleted (A; older notation c.1008delA).
Protein change: p.Glu337fs; shifts the reading frame from glutamic acid 337.
Molecular consequence: frameshift variant. On other transcripts: intron variant (137).
Genome position (GRCh38, 1-based): chr17:43,094,523, T deleted on the plus strand (A on the coding strand, the reverse complement: BRCA1 is on the minus strand). VCF-style (leftmost placement, unchanged base first): chr17-43094522-CT-C. GRCh37 (hg19) VCF-style: chr17-41246539-CT-C.
Other names: c.798del, p.Glu267fs (NM_001407900.1, NM_001407902.1, NM_001407904.1 and 13 more transcripts); c.795del, p.Glu266fs (NM_001407915.1, NM_001407916.1, NM_001407917.1 and 9 more transcripts); c.885del, p.Glu296fs (NM_001407919.1, NM_001407937.1, NM_001407938.1 and 19 more transcripts); c.744del, p.Glu249fs (NM_001407920.1, NM_001407921.1, NM_001407922.1 and 9 more transcripts); c.882del, p.Glu295fs (NM_001407941.1, NM_001407940.1, NM_001407649.1 and 11 more transcripts); c.867del, p.Glu290fs (NM_001407942.1, NM_001407944.1, NM_001407945.1 and 29 more transcripts); c.864del, p.Glu289fs (NM_001407943.1, NM_001407740.1, NM_001407741.1 and 20 more transcripts); c.741del, p.Glu248fs (NM_001407934.1, NM_001407936.1, NM_001407930.1 and 2 more transcripts); and 40 more; short protein forms E290fs, E337fs, E169fs, E209fs, E225fs, E249fs, E311fs, E41fs.
Identifiers: ClinVar variation 1430439 (VCV001430439.9), dbSNP rs2154480403, ClinGen allele CA2499224566.

ClinVar aggregate classification (germline): Pathogenic (1 of 4 stars; one submission).

Conditions:
Hereditary breast ovarian cancer syndrome. Also called: Hereditary breast and ovarian cancer syndrome (HBOC); Breast and ovarian cancer; BRCA1- and BRCA2-Associated Hereditary Breast and Ovarian Cancer; Hereditary breast and/or ovarian cancer syndrome; Hereditary breast and ovarian cancer; Hereditary breast and ovarian cancer syndrome. Identifiers: Orphanet 145, MedGen C0677776, MeSH D061325, MONDO:0003582. Disease mechanism: loss of function.

Submission:

Labcorp Genetics (formerly Invitae), Labcorp
Classification: Pathogenic for Hereditary breast ovarian cancer syndrome. Last evaluated: 2021-01-11. Review status: criteria provided, single submitter. Criteria: Invitae Variant Classification Sherloc (09022015). Collection method: clinical testing. Allele origin: germline.
Comment: For these reasons, this variant has been classified as Pathogenic. This variant has been observed in individual(s) with breast and ovarian cancer (PMID: 12181777). This sequence change creates a premature translational stop signal (p.Glu337Lysfs*4) in the BRCA1 gene. It is expected to result in an absent or disrupted protein product. Loss-of-function variants in BRCA1 are known to be pathogenic (PMID: 20104584). This variant is not present in population databases (ExAC no frequency).

Literature cited by the submitters: PubMed 12181777; PubMed 20104584.